The following is an entry in ClinVar:

NM_001159773.2(CANT1):c.1010C>T (p.Ala337Val)

Gene: CANT1 (calcium activated nucleotidase 1; minus strand). Cytogenetic location: 17q25.3.
Variant type: single nucleotide variant.
Coding change: c.1010C>T on transcript NM_001159773.2 (MANE Select); coding-DNA position 1010, C replaced by T.
Protein change: p.Ala337Val; replaces alanine 337 with valine.
Molecular consequence: missense variant.
Genome position (GRCh38, 1-based): chr17:78,993,746, G>A on the plus strand (C>T on the coding strand, the complement: CANT1 is on the minus strand). VCF-style: chr17-78993746-G-A. GRCh37 (hg19) VCF-style: chr17-76989828-G-A.
Other names: c.1010C>T, p.Ala337Val (NM_001159772.2, NM_138793.4); short protein forms A337V.
Identifiers: ClinVar variation 1405722 (VCV001405722.3), dbSNP rs749194807, ClinGen allele CA8808540.

ClinVar aggregate classification (germline): Uncertain significance (1 of 4 stars; one submission).

Allele frequency attached by ClinVar (database versions not stated): ExAC 0.00001; gnomAD exomes below 0.00001; TOPMed 0.00001.
gnomAD v4.1: 4 of 1,613,728 alleles (0.00025%); highest among the groups gnomAD compares: East Asian, 0.0022%; no homozygotes.

Submission:

Labcorp Genetics (formerly Invitae), Labcorp
Classification: Uncertain significance. Last evaluated: 2022-08-20. Review status: criteria provided, single submitter. Criteria: Invitae Variant Classification Sherloc (09022015). Collection method: clinical testing. Allele origin: germline.
Comment: This sequence change replaces alanine, which is neutral and non-polar, with valine, which is neutral and non-polar, at codon 337 of the CANT1 protein (p.Ala337Val). This variant is present in population databases (rs749194807, gnomAD 0.003%). This variant has not been reported in the literature in individuals affected with CANT1-related conditions. ClinVar contains an entry for this variant (Variation ID: 1405722). Algorithms developed to predict the effect of missense changes on protein structure and function (SIFT, PolyPhen-2, Align-GVGD) all suggest that this variant is likely to be tolerated. In summary, the available evidence is currently insufficient to determine the role of this variant in disease. Therefore, it has been classified as a Variant of Uncertain Significance.